The following is an entry in ClinVar:

NM_001105206.3(LAMA4):c.2353+180A>G

Gene: LAMA4 (laminin subunit alpha 4; minus strand). Cytogenetic location: 6q21.
Variant type: single nucleotide variant.
Coding change: c.2353+180A>G on transcript NM_001105206.3 (MANE Select); 180 bases into the intron after coding-DNA position 2353, A replaced by G.
Molecular consequence: intron variant.
Genome position (GRCh38, 1-based): chr6:112,147,977, T>C on the plus strand (A>G on the coding strand, the complement: LAMA4 is on the minus strand). VCF-style: chr6-112147977-T-C. GRCh37 (hg19) VCF-style: chr6-112469179-T-C.
Other names: c.2332+180A>G (NM_002290.5, NM_001105207.3).
Identifiers: ClinVar variation 673044 (VCV000673044.1), dbSNP rs13214535, ClinGen allele CA12415938.
Genomic context (GRCh38, chr6:112,147,977, plus strand): 5'-GACTCTTTACCAATCCATCTAGTGTTCATACGAAATATATGTATGTTTCTCATATGTATT[T>C]AGACAGGTATAGATAGATAGATAGATGAACAGTGCAAAAGCTTTTCTTTTTCTAAGCTAA-3'

ClinVar aggregate classification (germline): Benign (1 of 4 stars; one submission).

Allele frequency attached by ClinVar (database versions not stated): gnomAD 0.30409 and 0.30849; 1000 Genomes Project 0.31250; 1000 Genomes Project 30x 0.31605; TOPMed 0.31767.
gnomAD v4.1: 46,256 of 152,112 alleles (30%); highest among the groups gnomAD compares: African/African-American, 43%; 7,559 homozygotes.

Submission:

GeneDx
Classification: Benign. Last evaluated: 2018-06-15. Review status: criteria provided, single submitter. Criteria: GeneDx Variant Classification (06012015). Collection method: clinical testing. Allele origin: germline. Affected: yes.
Comment: This variant is considered likely benign or benign based on one or more of the following criteria: it is a conservative change, it occurs at a poorly conserved position in the protein, it is predicted to be benign by multiple in silico algorithms, and/or has population frequency not consistent with disease.